The following is an entry in ClinVar:

NM_015922.3(NSDHL):c.1108C>T (p.Arg370Trp)

Gene: NSDHL (NAD(P) dependent 3-beta-hydroxysteroid dehydrogenase NSDHL; plus strand). Cytogenetic location: Xq28.
Variant type: single nucleotide variant.
Coding change: c.1108C>T on transcript NM_015922.3 (MANE Select); coding-DNA position 1108, C replaced by T.
Protein change: p.Arg370Trp; replaces arginine 370 with tryptophan.
Molecular consequence: missense variant.
Genome position (GRCh38, 1-based): chrX:152,869,102, C>T. VCF-style: chrX-152869102-C-T. GRCh37 (hg19) VCF-style: chrX-152037646-C-T.
Other names: c.1108C>T, p.Arg370Trp (NM_001129765.2); c.1108C>T (NM_015922.2); short protein forms R370W.
Identifiers: ClinVar variation 624449 (VCV000624449.50), dbSNP rs151248633, ClinGen allele CA10544910.
Genomic context (GRCh38, chrX:152,869,102, plus strand): 5'-CAGCCACTAGTGACCATGGATGATGCTATGGAGAGGACCGTGCAGAGCTTTCGCCACCTG[C>T]GGAGGGTCAAGTGAGGGACACTGGAGGCTGGGCTCTCTCGACACGTTGCTCAGCCAGTCA-3'
Protein context (NP_057006.1, residues 360-373): ERTVQSFRHL[Arg370Trp]RVK

ClinVar aggregate classification (germline): Conflicting classifications of pathogenicity. Review status: criteria provided, conflicting classifications (1 of 4 stars). 4 submissions from 4 submitters: Uncertain significance (1); Benign (1); Likely benign (1). 1 of the submissions does not count toward it. Last evaluated 2025-09-10.

Conditions:
NSDHL-related disorder. Also called: NSDHL-related condition; NSDHL-Related Disorders. Identifiers: MedGen CN381535.
Inborn genetic diseases. Identifiers: MedGen C0950123, MeSH D030342.

Allele frequency attached by ClinVar (database versions not stated): TOPMed 0.00017; ESP Exome Variant Server 0.00019; 1000 Genomes Project 30x 0.00021; ExAC 0.00024; 1000 Genomes Project 0.00026.
gnomAD v4.1: 133 of 1,208,249 alleles (0.011%); highest among the groups gnomAD compares: East Asian, 0.1%; no homozygotes.

Submissions (4):

Labcorp Genetics (formerly Invitae), Labcorp
Classification: Benign. Last evaluated: 2025-09-10. Review status: criteria provided, single submitter. Criteria: Invitae Variant Classification Sherloc (09022015). Collection method: clinical testing. Allele origin: germline.

Ambry Genetics
Classification: Likely benign for Inborn genetic diseases. Last evaluated: 2022-12-15. Review status: criteria provided, single submitter. Criteria: Ambry Variant Classification Scheme 2023. Collection method: clinical testing. Allele origin: germline.

CeGaT Center for Human Genetics Tuebingen
Classification: Uncertain significance. Last evaluated: 2018-08-01. Review status: criteria provided, single submitter. Criteria: CeGaT Center For Human Genetics Tuebingen Variant Classification Criteria Version 2. Collection method: clinical testing. Allele origin: germline. Affected: yes. Observed: 2 variant alleles.

PreventionGenetics, part of Exact Sciences
Classification: Likely benign for NSDHL-related condition. Last evaluated: 2020-06-22. Review status: no assertion criteria provided. Collection method: clinical testing. Allele origin: germline. Not counted in ClinVar's aggregate classification.
Comment: This variant is classified as likely benign based on ACMG/AMP sequence variant interpretation guidelines (Richards et al. 2015 PMID: 25741868, with internal and published modifications).